The following is an entry in ClinVar:

ClinVar aggregate classification (germline): Likely pathogenic (1 of 4 stars; one submission).

Conditions:
Hyper-IgM syndrome type 1. Also called: Hyper-IgM Immunodeficiency Syndrome, Type 1; X-linked hyper-IgM syndrome; Immunodeficiency, X-linked, with hyper-IgM; CD40 Ligand Deficiency. Identifiers: Orphanet 101088, MedGen C0398689, MONDO:0010626, OMIM 308230.

Submission:

Labcorp Genetics (formerly Invitae), Labcorp
Classification: Likely pathogenic for Hyper-IgM syndrome type 1. Last evaluated: 2022-08-31. Review status: criteria provided, single submitter. Criteria: Invitae Variant Classification Sherloc (09022015). Collection method: clinical testing. Allele origin: germline.
Comment: In summary, the currently available evidence indicates that the variant is pathogenic, but additional data are needed to prove that conclusively. Therefore, this variant has been classified as Likely Pathogenic. This variant disrupts the p.Tyr172 amino acid residue in CD40LG. Other variant(s) that disrupt this residue have been observed in individuals with CD40LG-related conditions (PMID: 22928961), which suggests that this may be a clinically significant amino acid residue. Advanced modeling of protein sequence and biophysical properties (such as structural, functional, and spatial information, amino acid conservation, physicochemical variation, residue mobility, and thermodynamic stability) performed at Invitae indicates that this missense variant is expected to disrupt CD40LG protein function. ClinVar contains an entry for this variant (Variation ID: 855047). This missense change has been observed in individuals with hyper-IgM syndrome (HIGM) (PMID: 33060515; Invitae). This variant is not present in population databases (gnomAD no frequency). This sequence change replaces tyrosine, which is neutral and polar, with histidine, which is basic and polar, at codon 172 of the CD40LG protein (p.Tyr172His).

Literature cited by the submitters: PubMed 22928961; PubMed 33060515.

NM_000074.3(CD40LG):c.514T>C (p.Tyr172His)

Gene: CD40LG (CD40 ligand; plus strand). Cytogenetic location: Xq26.3.
Variant type: single nucleotide variant.
Coding change: c.514T>C on transcript NM_000074.3 (MANE Select); coding-DNA position 514, T replaced by C.
Protein change: p.Tyr172His; replaces tyrosine 172 with histidine.
Molecular consequence: missense variant.
Genome position (GRCh38, 1-based): chrX:136,659,143, T>C. VCF-style: chrX-136659143-T-C. GRCh37 (hg19) VCF-style: chrX-135741302-T-C.
Other names: short protein forms Y172H.
Identifiers: ClinVar variation 855047 (VCV000855047.10), dbSNP rs2076127133, ClinGen allele CA414755781.
Genomic context (GRCh38, chrX:136,659,143, plus strand): 5'-TTGGTAACCCTGGAAAATGGGAAACAGCTGACCGTTAAAAGACAAGGACTCTATTATATC[T>C]ATGCCCAAGTCACCTTCTGTTCCAATCGGGAAGCTTCGAGTCAAGCTCCATTTATAGCCA-3'
Protein context (NP_000065.1, residues 162-182): TVKRQGLYYI[Tyr172His]AQVTFCSNRE